The following is an entry in ClinVar:

ClinVar aggregate classification (germline): Benign. Review status: criteria provided, multiple submitters, no conflicts (2 of 4 stars). 8 submissions from 8 submitters: Benign (5). 3 of the submissions do not count toward it. Last evaluated 2026-02-04.

Conditions:
Pyruvate dehydrogenase E3-binding protein deficiency (PDHXD). Also called: E3-Binding Protein (Component X) Deficiency; Lacticacidemia due to PDX1 deficiency; PYRUVATE HYDROGENASE E3-BINDING PROTEIN DEFICIENCY; LACTIC ACIDEMIA DUE TO DEFECT IN LIPOYL-CONTAINING COMPONENT X OF THE PYRUVATE DEHYDROGENASE COMPLEX. Identifiers: Orphanet 255182, MedGen C1855553, MONDO:0009503, OMIM 245349.

Allele frequency attached by ClinVar (database versions not stated): TOPMed 0.20591; gnomAD 0.21128 and 0.21800; gnomAD exomes 0.21851 and 0.29294; ExAC 0.21969; ESP Exome Variant Server 0.24192; 1000 Genomes Project 0.10883; 1000 Genomes Project 30x 0.11181.
gnomAD v4.1: 458,182 of 1,611,044 alleles (28%); highest among the groups gnomAD compares: Non-Finnish European, 33%; 72,791 homozygotes.

Submissions (8):

Labcorp Genetics (formerly Invitae), Labcorp
Classification: Benign. Last evaluated: 2026-02-04. Review status: criteria provided, single submitter. Criteria: Invitae Variant Classification Sherloc (09022015). Collection method: clinical testing. Allele origin: germline.

Blueprint Genetics
Classification: Benign. Last evaluated: 2024-11-27. Review status: criteria provided, single submitter. Criteria: ACMG Guidelines, 2015. Collection method: clinical testing. Allele origin: germline.

Illumina Laboratory Services, Illumina
Classification: Benign for Pyruvate dehydrogenase E3-binding protein deficiency. Last evaluated: 2018-01-12. Review status: criteria provided, single submitter. Criteria: ICSL Variant Classification Criteria 13 December 2019. Collection method: clinical testing. Allele origin: germline.
Comment: This variant was observed in the ICSL laboratory as part of a predisposition screen in an ostensibly healthy population. It had not been previously curated by ICSL or reported in the Human Gene Mutation Database (HGMD: prior to June 1st, 2018), and was therefore a candidate for classification through an automated scoring system. Utilizing variant allele frequency, disease prevalence and penetrance estimates, and inheritance mode, an automated score was calculated to assess if this variant is too frequent to cause the disease. Based on the score and internal cut-off values, a variant classified as benign is not then subjected to further curation. The score for this variant resulted in a classification of benign for this disease.

GeneDx
Classification: Benign. Last evaluated: 2015-03-03. Review status: criteria provided, single submitter. Criteria: GeneDx Variant Classification Process June 2021. Collection method: clinical testing. Allele origin: germline. Affected: yes.

Breakthrough Genomics
Classification: Benign. Review status: criteria provided, single submitter. Criteria: ACMG Guidelines, 2015. Collection method: not provided. Allele origin: germline. Inheritance: Autosomal recessive inheritance. Affected: yes.

Mayo Clinic Laboratories, Mayo Clinic
Classification: Benign. Last evaluated: 2016-02-22. Review status: no assertion criteria provided. Collection method: clinical testing. Allele origin: unknown. Not counted in ClinVar's aggregate classification.

Diagnostic Laboratory, Department of Genetics, University Medical Center Groningen
Classification: Benign. Review status: no assertion criteria provided. Collection method: clinical testing. Allele origin: germline. Affected: yes. Study: VKGL Data-share Consensus. Not counted in ClinVar's aggregate classification.

Joint Genome Diagnostic Labs from Nijmegen and Maastricht, Radboudumc and MUMC+
Classification: Benign. Review status: no assertion criteria provided. Collection method: clinical testing. Allele origin: germline. Affected: yes. Study: VKGL Data-share Consensus. Not counted in ClinVar's aggregate classification.

NM_003477.3(PDHX):c.301A>G (p.Thr101Ala)

Gene: PDHX (pyruvate dehydrogenase complex component X; plus strand). Cytogenetic location: 11p13.
Variant type: single nucleotide variant.
Coding change: c.301A>G on transcript NM_003477.3 (MANE Select); coding-DNA position 301, A replaced by G.
Protein change: p.Thr101Ala; replaces threonine 101 with alanine.
Molecular consequence: missense variant.
Genome position (GRCh38, 1-based): chr11:34,947,565, A>G. VCF-style: chr11-34947565-A-G. GRCh37 (hg19) VCF-style: chr11-34969112-A-G.
Other names: c.121A>G, p.Thr41Ala (NM_001135024.2); c.301A>G, p.Thr101Ala (NM_001166158.2); short protein forms T101A, T41A.
Identifiers: ClinVar variation 304463 (VCV000304463.25), dbSNP rs11539202, ClinGen allele CA5945819.
Genomic context (GRCh38, chr11:34,947,565, plus strand): 5'-GGTGAAGCGGTGAGTGCTGGAGATGCATTATGTGAAATTGAGACTGACAAAGCTGTGGTT[A>G]CCTTAGATGCAAGTGATGATGGAATCTTGGCCAAAATCGTGGTAAGTTTTTATTTTAATT-3'
Protein context (NP_003468.2, residues 91-111): CEIETDKAVV[Thr101Ala]LDASDDGILA